The following is an entry in ClinVar:

NM_000264.5(PTCH1):c.4187G>T (p.Gly1396Val)

Gene: PTCH1 (patched 1; minus strand). Cytogenetic location: 9q22.32.
Variant type: single nucleotide variant.
Coding change: c.4187G>T on transcript NM_000264.5 (MANE Select); coding-DNA position 4187, G replaced by T.
Protein change: p.Gly1396Val; replaces glycine 1396 with valine.
Molecular consequence: missense variant. On other transcripts: non-coding transcript variant (1).
Genome position (GRCh38, 1-based): chr9:95,447,069, C>A on the plus strand (G>T on the coding strand, the complement: PTCH1 is on the minus strand). VCF-style: chr9-95447069-C-A. GRCh37 (hg19) VCF-style: chr9-98209351-C-A.
Other names: c.3989G>T, p.Gly1330Val (NM_001083602.3); c.4184G>T, p.Gly1395Val (NM_001083603.3); c.3734G>T, p.Gly1245Val (NM_001083604.3, NM_001083605.3, NM_001083606.3 and 1 more transcripts); c.4031G>T, p.Gly1344Val (NM_001354918.2); c.4187G>T (NM_000264.3); short protein forms G1395V, G1344V, G1245V, G1396V, G1330V.
Identifiers: ClinVar variation 1385906 (VCV001385906.9), dbSNP rs747923595, ClinGen allele CA374110159.

ClinVar aggregate classification (germline): Uncertain significance. Review status: criteria provided, multiple submitters, no conflicts (2 of 4 stars). 2 submissions from 2 submitters: Uncertain significance (2). Last evaluated 2026-08-04.

Conditions:
Hereditary cancer-predisposing syndrome. Also called: Hereditary Cancer Syndrome; Neoplastic Syndromes, Hereditary; Hereditary neoplastic syndrome; Tumor predisposition. Identifiers: Orphanet 140162, MedGen C0027672, MeSH D009386, MONDO:0015356.
Gorlin syndrome. Also called: Nevoid Basal Cell Carcinoma Syndrome; Basal cell nevus syndrome. Identifiers: Orphanet 377, MedGen C0004779, MONDO:0007187.

Submissions (2):

Ambry Genetics
Classification: Uncertain significance for Hereditary cancer-predisposing syndrome. Last evaluated: 2026-08-04. Review status: criteria provided, single submitter. Criteria: Ambry Variant Classification Scheme 2023. Collection method: clinical testing. Allele origin: germline.
Comment: The p.G1396V variant (also known as c.4187G>T), located in coding exon 23 of the PTCH1 gene, results from a G to T substitution at nucleotide position 4187. The glycine at codon 1396 is replaced by valine, an amino acid with dissimilar properties. This amino acid position is conserved. In addition, the in silico prediction for this alteration is inconclusive. Based on the available evidence, the clinical significance of this variant remains unclear.

Labcorp Genetics (formerly Invitae), Labcorp
Classification: Uncertain significance for Gorlin syndrome. Last evaluated: 2023-06-12. Review status: criteria provided, single submitter. Criteria: Invitae Variant Classification Sherloc (09022015). Collection method: clinical testing. Allele origin: germline.
Comment: This sequence change replaces glycine, which is neutral and non-polar, with valine, which is neutral and non-polar, at codon 1396 of the PTCH1 protein (p.Gly1396Val). This variant is not present in population databases (gnomAD no frequency). This variant has not been reported in the literature in individuals affected with PTCH1-related conditions. ClinVar contains an entry for this variant (Variation ID: 1385906). Advanced modeling of protein sequence and biophysical properties (such as structural, functional, and spatial information, amino acid conservation, physicochemical variation, residue mobility, and thermodynamic stability) performed at Invitae indicates that this missense variant is not expected to disrupt PTCH1 protein function. In summary, the available evidence is currently insufficient to determine the role of this variant in disease. Therefore, it has been classified as a Variant of Uncertain Significance.